The following is an entry in ClinVar:

ClinVar aggregate classification (germline): Pathogenic/Likely pathogenic. Review status: criteria provided, multiple submitters, no conflicts (2 of 4 stars). 3 submissions from 3 submitters: Pathogenic (1); Likely pathogenic (2). Last evaluated 2025-05-19.

Conditions:
Warsaw breakage syndrome (WABS). Also called: DDX11-Related Cohesinopathy. Identifiers: Orphanet 280558, MedGen C3150658, MONDO:0013252, OMIM 613398.
DDX11-related disorders.

gnomAD v4.1: 6 of 1,551,666 alleles (0.00039%); highest among the groups gnomAD compares: Non-Finnish European, 0.00052%; no homozygotes.

Submissions (3):

GeneDx
Classification: Pathogenic. Last evaluated: 2025-05-19. Review status: criteria provided, single submitter. Criteria: GeneDx Variant Classification Process June 2021. Collection method: clinical testing. Allele origin: germline. Affected: yes.
Comment: Nonsense variant predicted to result in protein truncation or nonsense mediated decay in a gene for which loss of function is a known mechanism of disease; Not observed at significant frequency in large population cohorts (gnomAD); Has not been previously published as pathogenic or benign to our knowledge

Fulgent Genetics
Classification: Likely pathogenic for Warsaw breakage syndrome. Last evaluated: 2024-04-22. Review status: criteria provided, single submitter. Criteria: ACMG Guidelines, 2015. Collection method: clinical testing. Allele origin: germline.

Blueprint Genetics
Classification: Likely pathogenic for DDX11-related disorders. Last evaluated: 2022-03-10. Review status: criteria provided, single submitter. Criteria: ACMG Guidelines, 2015. Collection method: clinical testing. Allele origin: germline. Affected: yes. Observed: 3 variant alleles.

NM_030653.4(DDX11):c.1947T>A (p.Cys649Ter)

Gene: DDX11 (DEAD/H-box helicase 11; plus strand). Cytogenetic location: 12p11.21.
Variant type: single nucleotide variant.
Coding change: c.1947T>A on transcript NM_030653.4 (MANE Select); coding-DNA position 1947, T replaced by A.
Protein change: p.Cys649Ter; replaces cysteine 649 with a stop codon.
Molecular consequence: nonsense. On other transcripts: non-coding transcript variant (4).
Genome position (GRCh38, 1-based): chr12:31,100,706, T>A. VCF-style: chr12-31100706-T-A. GRCh37 (hg19) VCF-style: chr12-31253640-T-A.
Other names: c.1947T>A (NM_030653.3); c.1947T>A, p.Cys649Ter (NM_001257144.2, NM_001413692.1, NM_001413693.1 and 5 more transcripts); c.1869T>A, p.Cys623Ter (NM_001257145.2, NM_001413697.1, NM_001413698.1 and 1 more transcripts); c.1860T>A, p.Cys620Ter (NM_001413700.1); c.1419T>A, p.Cys473Ter (NM_001413702.1, NM_001413703.1); c.1086T>A, p.Cys362Ter (NM_001413704.1, NM_001413705.1); c.981T>A, p.Cys327Ter (NM_001413706.1); short protein forms C473*, C623*, C649*, C362*, C327*, C620*.
Identifiers: ClinVar variation 3574564 (VCV003574564.3).